The following is an entry in ClinVar:

ClinVar aggregate classification (germline): Conflicting classifications of pathogenicity. Review status: criteria provided, conflicting classifications (1 of 4 stars). 6 submissions from 6 submitters: Uncertain significance (2); Likely benign (2). 2 of the submissions do not count toward it. Last evaluated 2026-01-16.

Conditions:
Autosomal recessive nonsyndromic hearing loss 77. Identifiers: Orphanet 90636, MedGen C2746083, MONDO:0013119, OMIM 613079.
LOXHD1-related disorder. Also called: LOXHD1-related condition.
Inborn genetic diseases. Identifiers: MedGen C0950123, MeSH D030342.

Allele frequency attached by ClinVar (database versions not stated): gnomAD exomes 0.00015; 1000 Genomes Project 30x 0.00031; ExAC 0.00031; 1000 Genomes Project 0.00040; ESP Exome Variant Server 0.00066; gnomAD 0.00070 and 0.00073; TOPMed 0.00089.
gnomAD v4.1: 199 of 1,551,786 alleles (0.013%); highest among the groups gnomAD compares: African/African-American, 0.23%; no homozygotes.

Submissions (6):

Labcorp Genetics (formerly Invitae), Labcorp
Classification: Likely benign. Last evaluated: 2026-01-16. Review status: criteria provided, single submitter. Criteria: Invitae Variant Classification Sherloc (09022015). Collection method: clinical testing. Allele origin: germline.

Ambry Genetics
Classification: Uncertain significance for Inborn genetic diseases. Last evaluated: 2024-01-16. Review status: criteria provided, single submitter. Criteria: Ambry Variant Classification Scheme 2023. Collection method: clinical testing. Allele origin: germline.

Mayo Clinic Laboratories, Mayo Clinic
Classification: Uncertain significance. Last evaluated: 2022-09-06. Review status: criteria provided, single submitter. Criteria: ACMG Guidelines, 2015. Collection method: clinical testing. Allele origin: germline. Observed: 1 variant allele.
Comment: BS1_supporting

Breakthrough Genomics
Classification: Likely benign. Review status: criteria provided, single submitter. Criteria: ACMG Guidelines, 2015. Collection method: not provided. Allele origin: germline. Inheritance: Autosomal recessive inheritance. Affected: yes.

PreventionGenetics, part of Exact Sciences
Classification: Likely benign for LOXHD1-related condition. Last evaluated: 2024-03-05. Review status: no assertion criteria provided. Collection method: clinical testing. Allele origin: germline. Not counted in ClinVar's aggregate classification.
Comment: This variant is classified as likely benign based on ACMG/AMP sequence variant interpretation guidelines (Richards et al. 2015 PMID: 25741868, with internal and published modifications).

Natera, Inc.
Classification: Uncertain significance for Autosomal recessive deafness type 77. Last evaluated: 2019-11-11. Review status: no assertion criteria provided. Collection method: clinical testing. Allele origin: germline. Not counted in ClinVar's aggregate classification.

NM_001384474.1(LOXHD1):c.4244G>A (p.Arg1415Gln)

Gene: LOXHD1 (lipoxygenase homology PLAT domains 1; minus strand). Cytogenetic location: 18q21.1.
Variant type: single nucleotide variant.
Coding change: c.4244G>A on transcript NM_001384474.1 (MANE Select); coding-DNA position 4244, G replaced by A.
Protein change: p.Arg1415Gln; replaces arginine 1415 with glutamine.
Molecular consequence: missense variant.
Genome position (GRCh38, 1-based): chr18:46,533,293, C>T on the plus strand (G>A on the coding strand, the complement: LOXHD1 is on the minus strand). VCF-style: chr18-46533293-C-T. GRCh37 (hg19) VCF-style: chr18-44113256-C-T.
Other names: p.Arg1415Gln; c.911G>A, p.Arg304Gln (NM_001145472.3); c.623G>A, p.Arg208Gln (NM_001308013.2); c.4244G>A, p.Arg1415Gln (NM_144612.7); short protein forms R304Q, R208Q, R1415Q.
Identifiers: ClinVar variation 745284 (VCV000745284.16), dbSNP rs374728484, ClinGen allele CA8952362.